The following is an entry in ClinVar:

ClinVar aggregate classification (germline): Uncertain significance. Review status: criteria provided, multiple submitters, no conflicts (2 of 4 stars). 2 submissions from 2 submitters: Uncertain significance (2). Last evaluated 2024-11-19.

Conditions:
Wolfram-like syndrome. Also called: HEARING LOSS, PROGRESSIVE, WITH OPTIC ATROPHY AND/OR IMPAIRED GLUCOSE REGULATION. Identifiers: Orphanet 411590, MedGen C3280358, MONDO:0013673, OMIM 614296.
Cataract 41 (CTRCT41). Also called: CATARACT 41, CONGENITAL NUCLEAR TYPE. Identifiers: Orphanet 91492, Orphanet 98991, Orphanet 98992, Orphanet 98995, MedGen C3805412, MONDO:0007287, OMIM 116400.
Autosomal dominant nonsyndromic hearing loss 6 (LFSNHL). Also called: DEAFNESS, AUTOSOMAL DOMINANT 6; DEAFNESS, AUTOSOMAL DOMINANT 14; DEAFNESS, AUTOSOMAL DOMINANT 38; Autosomal dominant nonsyndromic deafness 6. Identifiers: Orphanet 90635, MedGen C1833021, MONDO:0010963, OMIM 600965.
Type 2 diabetes mellitus. Also called: Type II diabetes mellitus. Identifiers: MedGen C0011860, MeSH D003924, MONDO:0005148, OMIM 125853, HP:0005978.
Wolfram syndrome 1 (WFS1). Identifiers: Orphanet 3463, MedGen C4551693, MONDO:0009101, OMIM 222300.

Allele frequency attached by ClinVar (database versions not stated): gnomAD exomes below 0.00001; ExAC 0.00002; gnomAD 0.00002; TOPMed 0.00002; 1000 Genomes Project 30x 0.00016; 1000 Genomes Project 0.00020.
gnomAD v4.1: 7 of 1,612,486 alleles (0.00043%); highest among the groups gnomAD compares: East Asian, 0.011%; no homozygotes.

Submissions (2):

Labcorp Genetics (formerly Invitae), Labcorp
Classification: Uncertain significance. Last evaluated: 2024-11-19. Review status: criteria provided, single submitter. Criteria: Invitae Variant Classification Sherloc (09022015). Collection method: clinical testing. Allele origin: germline.
Comment: This sequence change replaces serine, which is neutral and polar, with glycine, which is neutral and non-polar, at codon 846 of the WFS1 protein (p.Ser846Gly). This variant is present in population databases (rs572147782, gnomAD 0.02%). This variant has not been reported in the literature in individuals affected with WFS1-related conditions. ClinVar contains an entry for this variant (Variation ID: 2907207). Invitae Evidence Modeling of protein sequence and biophysical properties (such as structural, functional, and spatial information, amino acid conservation, physicochemical variation, residue mobility, and thermodynamic stability) indicates that this missense variant is not expected to disrupt WFS1 protein function with a negative predictive value of 95%. In summary, the available evidence is currently insufficient to determine the role of this variant in disease. Therefore, it has been classified as a Variant of Uncertain Significance.

Fulgent Genetics
Classification: Uncertain significance for Cataract 41; Type 2 diabetes mellitus; Wolfram syndrome 1; Autosomal dominant nonsyndromic hearing loss 6; Wolfram-like syndrome. Last evaluated: 2024-01-08. Review status: criteria provided, single submitter. Criteria: ACMG Guidelines, 2015. Collection method: clinical testing. Allele origin: germline.

NM_006005.3(WFS1):c.2536A>G (p.Ser846Gly)

Gene: WFS1 (wolframin ER transmembrane glycoprotein; plus strand). Cytogenetic location: 4p16.1.
Variant type: single nucleotide variant.
Coding change: c.2536A>G on transcript NM_006005.3 (MANE Select); coding-DNA position 2536, A replaced by G.
Protein change: p.Ser846Gly; replaces serine 846 with glycine.
Molecular consequence: missense variant.
Genome position (GRCh38, 1-based): chr4:6,302,331, A>G. VCF-style: chr4-6302331-A-G. GRCh37 (hg19) VCF-style: chr4-6304058-A-G.
Other names: c.2536A>G, p.Ser846Gly (NM_001145853.1); short protein forms S846G.
Identifiers: ClinVar variation 2907207 (VCV002907207.4), dbSNP rs572147782, ClinGen allele CA2839769.